The following is an entry in ClinVar:

ClinVar aggregate classification (germline): Likely pathogenic (1 of 4 stars; one submission).

Conditions:
Hereditary spastic paraplegia 7 (SPG7). Also called: Autosomal recessive spastic paraplegia type 7; SPASTIC PARAPLEGIA 7, AUTOSOMAL RECESSIVE, WITH OR WITHOUT CEREBELLAR ATAXIA; Spastic paraplegia 7; Hereditary spastic paraplegia Paraplegin type; SPG7-related neurologic disorder. Identifiers: Orphanet 99013, MedGen C1846564, MONDO:0011803, OMIM 607259.

Submission:

PROSPAX: an integrated multimodal progression  chart in spastic ataxias, Center for Neurology; Hertie-Institute for Clinical Brain Research
Classification: Likely pathogenic for Hereditary spastic paraplegia 7. Last evaluated: 2022-01-01. Review status: criteria provided, single submitter. Criteria: ACMG Guidelines, 2015. Collection method: research. Allele origin: germline. Affected: yes.
Comment: Variant seen in compound het: [c.988-42_1046del;c.1454_1462del]

NM_003119.4(SPG7):c.988-42_1046del

Gene: SPG7 (SPG7 matrix AAA peptidase subunit, paraplegin; plus strand). Cytogenetic location: 16q24.3.
Variant type: Deletion.
Coding change: c.988-42_1046del on transcript NM_003119.4 (MANE Select); 42 bases into the intron before coding-DNA position 988 through coding-DNA position 1046, 101 bases deleted.
Molecular consequence: splice acceptor variant.
Genome position (GRCh38, 1-based): chr16:89,531,862-89,531,962, 101 bases deleted. GRCh37 (hg19): chr16:89,598,270-89,598,370.
Other names: c.988-42_1046del (NM_001363850.1, NM_199367.3).
Identifiers: ClinVar variation 3242471 (VCV003242471.1).